The following is an entry in ClinVar:

NM_001039141.3(TRIOBP):c.6324+162G>A

Gene: TRIOBP (TRIO and F-actin binding protein; plus strand). Cytogenetic location: 22q13.1.
Variant type: single nucleotide variant.
Coding change: c.6324+162G>A on transcript NM_001039141.3 (MANE Select); 162 bases into the intron after coding-DNA position 6324, G replaced by A.
Molecular consequence: intron variant. On other transcripts: missense variant (1).
Genome position (GRCh38, 1-based): chr22:37,759,426, G>A. VCF-style: chr22-37759426-G-A. GRCh37 (hg19) VCF-style: chr22-38155433-G-A.
Other names: c.1185+162G>A (NM_007032.5); c.1195G>A, p.Val399Met (NM_138632.2); short protein forms V399M.
Identifiers: ClinVar variation 165606 (VCV000165606.9), dbSNP rs201529268, ClinGen allele CA178352.

ClinVar aggregate classification (germline): Likely benign. Review status: criteria provided, multiple submitters, no conflicts (2 of 4 stars). 4 submissions from 4 submitters: Likely benign (3). 1 of the submissions does not count toward it. Last evaluated 2026-07-01.

Conditions:
TRIOBP-related disorder. Also called: TRIOBP-related condition.

Allele frequency attached by ClinVar (database versions not stated): gnomAD 0.00016; ESP Exome Variant Server 0.00023; TOPMed 0.00033; gnomAD exomes 0.00047; ExAC 0.00049.
gnomAD v4.1: 376 of 1,329,812 alleles (0.028%); highest among the groups gnomAD compares: Middle Eastern, 0.2%; 2 homozygotes.

Submissions (4):

CeGaT Center for Human Genetics Tuebingen
Classification: Likely benign. Last evaluated: 2026-07-01. Review status: criteria provided, single submitter. Criteria: CeGaT Center For Human Genetics Tuebingen Variant Classification Criteria Version 2. Collection method: clinical testing. Allele origin: germline. Affected: yes. Observed: 1 variant allele.
Comment: TRIOBP: BP4

Blueprint Genetics
Classification: Likely benign. Last evaluated: 2024-11-27. Review status: criteria provided, single submitter. Criteria: ACMG Guidelines, 2015. Collection method: clinical testing. Allele origin: germline.

Laboratory for Molecular Medicine, Mass General Brigham Personalized Medicine
Classification: Likely benign. Last evaluated: 2016-11-17. Review status: criteria provided, single submitter. Criteria: LMM Criteria. Collection method: clinical testing. Allele origin: germline. Observed: 2 variant alleles.
Comment: p.Val339Met in exon 17A of TRIOBP: This variant is not expected to have clinical significance because it has been identified in 0.3% (38/11576) of Latino chromo somes by the Exome Aggregation Consortium (ExAC; dbSNP rs201529268).

PreventionGenetics, part of Exact Sciences
Classification: Likely benign for TRIOBP-related condition. Last evaluated: 2023-11-01. Review status: no assertion criteria provided. Collection method: clinical testing. Allele origin: germline. Not counted in ClinVar's aggregate classification.
Comment: This variant is classified as likely benign based on ACMG/AMP sequence variant interpretation guidelines (Richards et al. 2015 PMID: 25741868, with internal and published modifications).